The following is an entry in ClinVar:

NM_001289104.2(PRKCSH):c.1040C>T (p.Pro347Leu)

Gene: PRKCSH (PRKCSH beta subunit of glucosidase II; plus strand). Cytogenetic location: 19p13.2.
Variant type: single nucleotide variant.
Coding change: c.1040C>T on transcript NM_001289104.2 (MANE Select); coding-DNA position 1040, C replaced by T.
Protein change: p.Pro347Leu; replaces proline 347 with leucine.
Molecular consequence: missense variant. On other transcripts: intron variant (3).
Genome position (GRCh38, 1-based): chr19:11,447,703, C>T. VCF-style: chr19-11447703-C-T. GRCh37 (hg19) VCF-style: chr19-11558518-C-T.
Other names: c.1040C>T, p.Pro347Leu (NM_001289103.2); c.1019C>T, p.Pro340Leu (NM_001379608.1, NM_002743.3); c.1030-20C>T (NM_001379609.1, NM_001001329.3, NM_001289102.2); short protein forms P340L, P347L.
Identifiers: ClinVar variation 1357590 (VCV001357590.9), dbSNP rs1126648, ClinGen allele CA9213128.
Genomic context (GRCh38, chr19:11,447,703, plus strand): 5'-GACAGAGAGGGTGGGGGAAGGGCTACTCACTGACCCTGCCCCTGCCCCAGGAGGCCCCAC[C>T]GCCACTGTCACCCCCGCAGCCGGCCAGCCCTGCTGAGGAAGACAAAATGCCGCCCTACGA-3'
Protein context (NP_001276033.1, residues 337-357): VQGEQPKEAP[Pro347Leu]PLSPPQPASP

ClinVar aggregate classification (germline): Uncertain significance. Review status: criteria provided, multiple submitters, no conflicts (2 of 4 stars). 4 submissions from 4 submitters: Uncertain significance (4). Last evaluated 2025-07-29.

Conditions:
Polycystic liver disease 1 (PCLD1). Also called: Polycystic liver disease 1 with or without kidney cysts. Identifiers: Orphanet 2924, MedGen C0887850, MONDO:0008265, OMIM 174050.

Allele frequency attached by ClinVar (database versions not stated): gnomAD exomes 0.00003; ExAC 0.00011; ESP Exome Variant Server 0.00015; TOPMed 0.00015; gnomAD 0.00016; 1000 Genomes Project 30x 0.00031; 1000 Genomes Project 0.00040.

Submissions (4):

Labcorp Genetics (formerly Invitae), Labcorp
Classification: Uncertain significance. Last evaluated: 2025-07-29. Review status: criteria provided, single submitter. Criteria: Invitae Variant Classification Sherloc (09022015). Collection method: clinical testing. Allele origin: germline.
Comment: This sequence change replaces proline, which is neutral and non-polar, with leucine, which is neutral and non-polar, at codon 340 of the PRKCSH protein (p.Pro340Leu). The frequency data for this variant in the population databases is considered unreliable, as metrics indicate poor data quality at this position in the gnomAD database. This variant has not been reported in the literature in individuals affected with PRKCSH-related conditions. ClinVar contains an entry for this variant (Variation ID: 1357590). An algorithm developed to predict the effect of missense changes on protein structure and function outputs the following: PolyPhen-2: "Benign". The leucine amino acid residue is found in multiple mammalian species, which suggests that this missense change does not adversely affect protein function. In summary, the available evidence is currently insufficient to determine the role of this variant in disease. Therefore, it has been classified as a Variant of Uncertain Significance.

Fulgent Genetics
Classification: Uncertain significance for Polycystic liver disease 1. Last evaluated: 2024-04-09. Review status: criteria provided, single submitter. Criteria: ACMG Guidelines, 2015. Collection method: clinical testing. Allele origin: germline.

GeneDx
Classification: Uncertain significance. Last evaluated: 2022-06-21. Review status: criteria provided, single submitter. Criteria: GeneDx Variant Classification Process June 2021. Collection method: clinical testing. Allele origin: germline. Affected: yes.
Comment: In silico analysis supports that this missense variant does not alter protein structure/function; Has not been previously published as pathogenic or benign to our knowledge

Department of Pathology and Laboratory Medicine, Sinai Health System
Classification: Uncertain significance for Polycystic liver disease 1. Last evaluated: 2021-07-30. Review status: criteria provided, single submitter. Criteria: ACMG Guidelines, 2015. Collection method: research. Allele origin: germline.